The following is an entry in ClinVar:

ClinVar aggregate classification (germline): Uncertain significance (1 of 4 stars; one submission).

Conditions:
Hereditary cancer-predisposing syndrome. Also called: Neoplastic Syndromes, Hereditary; Tumor predisposition; Hereditary Cancer Syndrome; Hereditary neoplastic syndrome. Identifiers: Orphanet 140162, MedGen C0027672, MeSH D009386, MONDO:0015356.

Submission:

Ambry Genetics
Classification: Uncertain significance for Hereditary cancer-predisposing syndrome. Last evaluated: 2026-02-23. Review status: criteria provided, single submitter. Criteria: Ambry Variant Classification Scheme 2023. Collection method: clinical testing. Allele origin: germline.
Comment: The c.583_584dupCG variant, located in coding exon 4 of the POLD1 gene, results from a duplication of CG at nucleotide position 583, causing a translational frameshift with a predicted alternate stop codon (p.S197Rfs*80). This alteration is expected to result in loss of function by premature protein truncation or nonsense-mediated mRNA decay. However, loss of function has not been established as a mechanism of disease. Based on the available evidence, the clinical significance of this variant remains unclear.

NM_002691.4(POLD1):c.583_584dup (p.Ser197fs)

Gene: POLD1 (DNA polymerase delta 1, catalytic subunit; plus strand). Cytogenetic location: 19q13.33.
Variant type: Duplication.
Coding change: c.583_584dup on transcript NM_002691.4 (MANE Select); coding-DNA positions 583 to 584, 2 bases duplicated (CG; older notation c.583_584dupCG).
Protein change: p.Ser197fs; shifts the reading frame from serine 197.
Molecular consequence: frameshift variant. On other transcripts: non-coding transcript variant (1).
Genome position (GRCh38, 1-based): chr19:50,402,118-50,402,119, CG duplicated. VCF-style (leftmost placement, unchanged base first): chr19-50402117-C-CCG. GRCh37 (hg19) VCF-style: chr19-50905374-C-CCG.
Other names: c.583_584dup, p.Ser197fs (NM_001256849.1, NM_001308632.1, NM_001438210.1 and 3 more transcripts); short protein forms S197fs.
Identifiers: ClinVar variation 4844393 (VCV004844393.1).
Genomic context (GRCh38, chr19:50,402,117, plus strand): 5'-GGACAGTCGCGGGGGGAGGGAGCTGACTGGGCCGGCCGTGCTGGCTGTGGAACTGTGCTC[C>CCG]CGAGAGAGTGAGTGCTCCCCCAGGATCAGCGGGTTGGAGGGTCCCCTCGGGAGGCCATTG-3'